The following is an entry in ClinVar:

NM_000102.4(CYP17A1):c.1246C>T (p.Arg416Cys)

Gene: CYP17A1 (cytochrome P450 family 17 subfamily A member 1; minus strand). Cytogenetic location: 10q24.32.
Variant type: single nucleotide variant.
Coding change: c.1246C>T on transcript NM_000102.4 (MANE Select); coding-DNA position 1246, C replaced by T.
Protein change: p.Arg416Cys; replaces arginine 416 with cysteine.
Molecular consequence: missense variant.
Genome position (GRCh38, 1-based): chr10:102,830,983, G>A on the plus strand (C>T on the coding strand, the complement: CYP17A1 is on the minus strand). VCF-style: chr10-102830983-G-A. GRCh37 (hg19) VCF-style: chr10-104590740-G-A.
Other names: c.1246C>T (NM_000102.3); short protein forms R416C.
Identifiers: ClinVar variation 2735478 (VCV002735478.5), dbSNP rs1178684770, ClinGen allele CA377938381.

ClinVar aggregate classification (germline): Pathogenic. Review status: criteria provided, multiple submitters, no conflicts (2 of 4 stars). 3 submissions from 3 submitters: Pathogenic (3). Last evaluated 2025-11-25.

Conditions:
Deficiency of steroid 17-alpha-monooxygenase. Also called: 17-ALPHA-HYDROXYLASE DEFICIENCY; Congenital adrenal hyperplasia due to 17-alpha-hydroxylase deficiency; Congenital adrenal hyperplasia type 5; ADRENAL HYPERPLASIA V; 17-alpha-hydroxylase/17,20-lyase deficiency. Identifiers: Orphanet 90793, MedGen C0268285, MONDO:0008730, OMIM 202110.

Allele frequency attached by ClinVar (database versions not stated): gnomAD exomes below 0.00001.
gnomAD v4.1: 3 of 1,567,436 alleles (0.00019%); highest among the groups gnomAD compares: Non-Finnish European, 0.000087%; no homozygotes.

Submissions (3):

Natera, Inc.
Classification: Pathogenic for Deficiency of steroid 17-alpha-monooxygenase. Last evaluated: 2025-11-25. Review status: criteria provided, single submitter. Criteria: Natera Variant Classification Schema (03/2026). Collection method: clinical testing. Allele origin: germline.
Comment: The c.1246C>T variant in CYP17A1 is a missense variant predicted to cause substitution of arginine to cysteine at amino acid 416. This variant is rare in the general population with a frequency below the threshold expected for the associated phenotype(s). This variant has been observed in one or more individuals affected with the associated recessive disease, as either homozygous or compound heterozygous with a second variant (PMID: 34724156, 16772352, 11422109). Given the available evidence, this variant is classified as Pathogenic.

Baylor Genetics
Classification: Pathogenic for Deficiency of steroid 17-alpha-monooxygenase. Last evaluated: 2024-02-15. Review status: criteria provided, single submitter. Criteria: ACMG Guidelines, 2015. Collection method: clinical testing. Allele origin: unknown.

Labcorp Genetics (formerly Invitae), Labcorp
Classification: Pathogenic. Last evaluated: 2023-05-02. Review status: criteria provided, single submitter. Criteria: Invitae Variant Classification Sherloc (09022015). Collection method: clinical testing. Allele origin: germline.
Comment: This variant disrupts the p.Arg416 amino acid residue in CYP17A1. Other variant(s) that disrupt this residue have been determined to be pathogenic (PMID: 16849412, 17192295, 28870780). This suggests that this residue is clinically significant, and that variants that disrupt this residue are likely to be disease-causing. For these reasons, this variant has been classified as Pathogenic. Experimental studies have shown that this missense change affects CYP17A1 function (PMID: 11422109). An algorithm developed to predict the effect of missense changes on protein structure and function (PolyPhen-2) suggests that this variant is likely to be disruptive. This variant is also known as R415C. This missense change has been observed in individual(s) with CYP17A1-related conditions (PMID: 11422109, 16772352, 34724156). The frequency data for this variant in the population databases is considered unreliable, as metrics indicate poor data quality at this position in the gnomAD database. This sequence change replaces arginine, which is basic and polar, with cysteine, which is neutral and slightly polar, at codon 416 of the CYP17A1 protein (p.Arg416Cys).

Literature cited by the submitters: PubMed 34724156 (cited by Natera, Inc. and Labcorp Genetics (formerly Invitae), Labcorp); PubMed 16772352 (cited by Natera, Inc. and Labcorp Genetics (formerly Invitae), Labcorp); PubMed 11422109 (cited by Natera, Inc. and Labcorp Genetics (formerly Invitae), Labcorp); PubMed 16849412 (cited by Labcorp Genetics (formerly Invitae), Labcorp); PubMed 17192295 (cited by Labcorp Genetics (formerly Invitae), Labcorp); PubMed 28870780 (cited by Labcorp Genetics (formerly Invitae), Labcorp).